The following is an entry in ClinVar:

ClinVar aggregate classification (germline): Uncertain significance (1 of 4 stars; one submission).

Allele frequency attached by ClinVar (database versions not stated): TOPMed below 0.00001; ExAC 0.00001; gnomAD 0.00001; gnomAD exomes 0.00001; 1000 Genomes Project 30x 0.00031; 1000 Genomes Project 0.00040.

Submission:

Labcorp Genetics (formerly Invitae), Labcorp
Classification: Uncertain significance. Last evaluated: 2021-12-29. Review status: criteria provided, single submitter. Criteria: Invitae Variant Classification Sherloc (09022015). Collection method: clinical testing. Allele origin: germline.
Comment: This sequence change replaces glutamic acid, which is acidic and polar, with lysine, which is basic and polar, at codon 303 of the SLC39A14 protein (p.Glu303Lys). This variant is present in population databases (rs150331357, gnomAD 0.007%). This variant has not been reported in the literature in individuals affected with SLC39A14-related conditions. Algorithms developed to predict the effect of missense changes on protein structure and function (SIFT, PolyPhen-2, Align-GVGD) all suggest that this variant is likely to be tolerated. In summary, the available evidence is currently insufficient to determine the role of this variant in disease. Therefore, it has been classified as a Variant of Uncertain Significance.

NM_001128431.4(SLC39A14):c.907G>A (p.Glu303Lys)

Gene: SLC39A14 (solute carrier family 39 member 14; plus strand). Cytogenetic location: 8p21.3.
Variant type: single nucleotide variant.
Coding change: c.907G>A on transcript NM_001128431.4 (MANE Select); coding-DNA position 907, G replaced by A.
Protein change: p.Glu303Lys; replaces glutamic acid 303 with lysine.
Molecular consequence: missense variant.
Genome position (GRCh38, 1-based): chr8:22,415,925, G>A. VCF-style: chr8-22415925-G-A. GRCh37 (hg19) VCF-style: chr8-22273438-G-A.
Other names: c.907G>A, p.Glu303Lys (NM_001135153.3, NM_001135154.3, NM_001351655.2 and 3 more transcripts); c.937G>A, p.Glu313Lys (NM_001351657.2, NM_001351658.2, NM_001351659.2); short protein forms E303K, E313K.
Identifiers: ClinVar variation 2203221 (VCV002203221.1), dbSNP rs150331357, ClinGen allele CA4667465.